The following is an entry in ClinVar:

NM_000257.4(MYH7):c.5639G>T (p.Arg1880Leu)

Gene: MYH7 (myosin heavy chain 7; minus strand). Cytogenetic location: 14q11.2.
Variant type: single nucleotide variant.
Coding change: c.5639G>T on transcript NM_000257.4 (MANE Select); coding-DNA position 5639, G replaced by T.
Protein change: p.Arg1880Leu; replaces arginine 1880 with leucine.
Molecular consequence: missense variant.
Genome position (GRCh38, 1-based): chr14:23,414,023, C>A on the plus strand (G>T on the coding strand, the complement: MYH7 is on the minus strand). VCF-style: chr14-23414023-C-A. GRCh37 (hg19) VCF-style: chr14-23883232-C-A.
Other names: c.5639G>T, p.Arg1880Leu (NM_001407004.1); short protein forms R1880L.
Identifiers: ClinVar variation 1748784 (VCV001748784.2), dbSNP rs867477685, ClinGen allele CA389034806.
Genomic context (GRCh38, chr14:23,414,023, plus strand): 5'-CTCCTATGCCTCCCCTGGGCCTAGTCCCCAGCAGGGTCACTCACCGCCTCCTCGGCCTGG[C>A]GCTTGTAGGCCTTGACCTTTAGCTGCAGCTTGTCTACCAGGTCCTGCAGCCGCAGCAGGT-3'
Protein context (NP_000248.2, residues 1870-1890): KLQLKVKAYK[Arg1880Leu]QAEEAEEQAN

ClinVar aggregate classification (germline): Uncertain significance (1 of 4 stars; one submission).

Conditions:
Cardiovascular phenotype. Identifiers: MedGen CN230736.

gnomAD v4.1: 5 of 1,614,110 alleles (0.00031%); highest among the groups gnomAD compares: Non-Finnish European, 0.00042%; no homozygotes.

Submission:

Ambry Genetics
Classification: Uncertain significance for Cardiovascular phenotype. Last evaluated: 2020-12-08. Review status: criteria provided, single submitter. Criteria: Ambry Variant Classification Scheme 2023. Collection method: clinical testing. Allele origin: germline.
Comment: The p.R1880L variant (also known as c.5639G>T), located in coding exon 36 of the MYH7 gene, results from a G to T substitution at nucleotide position 5639. The arginine at codon 1880 is replaced by leucine, an amino acid with dissimilar properties. This amino acid position is highly conserved in available vertebrate species. In addition, this alteration is predicted to be deleterious by in silico analysis. Since supporting evidence is limited at this time, the clinical significance of this alteration remains unclear.